The following is an entry in ClinVar:

NM_021815.5(SLC5A7):c.598T>C (p.Trp200Arg)

Gene: SLC5A7 (solute carrier family 5 member 7; plus strand). Cytogenetic location: 2q12.3.
Variant type: single nucleotide variant.
Coding change: c.598T>C on transcript NM_021815.5 (MANE Select); coding-DNA position 598, T replaced by C.
Protein change: p.Trp200Arg; replaces tryptophan 200 with arginine.
Molecular consequence: missense variant. On other transcripts: intron variant (1).
Genome position (GRCh38, 1-based): chr2:108,001,897, T>C. VCF-style: chr2-108001897-T-C. GRCh37 (hg19) VCF-style: chr2-108618353-T-C.
Other names: c.598T>C, p.Trp200Arg (NM_001305005.3); c.283T>C, p.Trp95Arg (NM_001305006.3); c.-107-37T>C (NM_001305007.3); short protein forms W95R, W200R.
Identifiers: ClinVar variation 2130555 (VCV002130555.4), dbSNP rs2467100055, ClinGen allele CA348112702.

ClinVar aggregate classification (germline): Uncertain significance (1 of 4 stars; one submission).

Conditions:
Neuronopathy, distal hereditary motor, type 7A. Also called: HARPER-YOUNG MYOPATHY; HMN VIIA; Neuronopathy, distal hereditary motor, type viia; SPINAL MUSCULAR ATROPHY, DISTAL, WITH VOCAL CORD PARALYSIS; NEURONOPATHY, DISTAL HEREDITARY MOTOR, HARDING TYPE VIIA; NEUROPATHY, DISTAL HEREDITARY MOTOR, HARDING TYPE VIIA. Identifiers: Orphanet 139589, MedGen C1834703, MONDO:0008024, OMIM 158580.
Congenital myasthenic syndrome 20. Also called: Myasthenic syndrome, congenital, 20, presynaptic. Identifiers: MedGen C4310694, MONDO:0014939, OMIM 617143.

Submission:

Labcorp Genetics (formerly Invitae), Labcorp
Classification: Uncertain significance for Neuronopathy, distal hereditary motor, type 7A; Congenital myasthenic syndrome 20. Last evaluated: 2022-04-25. Review status: criteria provided, single submitter. Criteria: Invitae Variant Classification Sherloc (09022015). Collection method: clinical testing. Allele origin: germline.
Comment: In summary, the available evidence is currently insufficient to determine the role of this variant in disease. Therefore, it has been classified as a Variant of Uncertain Significance. Algorithms developed to predict the effect of missense changes on protein structure and function (SIFT, PolyPhen-2, Align-GVGD) all suggest that this variant is likely to be disruptive. This variant has not been reported in the literature in individuals affected with SLC5A7-related conditions. This variant is not present in population databases (gnomAD no frequency). This sequence change replaces tryptophan, which is neutral and slightly polar, with arginine, which is basic and polar, at codon 200 of the SLC5A7 protein (p.Trp200Arg).